The following is an entry in ClinVar:

ClinVar aggregate classification (germline): Likely benign (1 of 4 stars; one submission).

Allele frequency attached by ClinVar (database versions not stated): 1000 Genomes Project 30x 0.00047; 1000 Genomes Project 0.00060; gnomAD 0.00220; ESP Exome Variant Server 0.00249; ExAC 0.00255.

Submission:

CeGaT Center for Human Genetics Tuebingen
Classification: Likely benign. Last evaluated: 2023-04-01. Review status: criteria provided, single submitter. Criteria: CeGaT Center For Human Genetics Tuebingen Variant Classification Criteria Version 2. Collection method: clinical testing. Allele origin: germline. Affected: yes. Observed: 2 variant alleles.
Comment: ZNF778: BP4, BP7

NM_001201407.2(ZNF778):c.1722G>A (p.Ser574=)

Gene: ZNF778 (zinc finger protein 778; plus strand). Cytogenetic location: 16q24.3.
Variant type: single nucleotide variant.
Coding change: c.1722G>A on transcript NM_001201407.2 (MANE Select); coding-DNA position 1722, G replaced by A.
Protein change: p.Ser574=; no amino-acid change (serine 574 retained).
Molecular consequence: synonymous variant. On other transcripts: non-coding transcript variant (1).
Genome position (GRCh38, 1-based): chr16:89,228,010, G>A. VCF-style: chr16-89228010-G-A. GRCh37 (hg19) VCF-style: chr16-89294418-G-A.
Other names: c.1722G>A, p.Ser574= (NM_001378881.1); c.1638G>A, p.Ser546= (NM_182531.5).
Identifiers: ClinVar variation 2647050 (VCV002647050.24), dbSNP rs185218561, ClinGen allele CA8240473.